The following is an entry in ClinVar:

NM_000051.4(ATM):c.8081del (p.Gly2694fs)

Genes: ATM (ATM serine/threonine kinase; plus strand), C11orf65 (chromosome 11 open reading frame 65; minus strand). Cytogenetic location: 11q22.3.
Variant type: Deletion.
Coding change: c.8081del on transcript NM_000051.4 (MANE Select); coding-DNA position 8081, one base deleted (G; older notation c.8081delG).
Protein change: p.Gly2694fs; shifts the reading frame from glycine 2694.
Molecular consequence: frameshift variant. On other transcripts: intron variant (2).
Genome position (GRCh38, 1-based): chr11:108,335,039, G deleted; the last of 2 consecutive G bases (chr11:108,335,038-108,335,039); deleting either gives the same sequence. VCF-style (leftmost placement, unchanged base first): chr11-108335037-AG-A. GRCh37 (hg19) VCF-style: chr11-108205764-AG-A.
Other names: c.8081del, p.Gly2694fs (NM_001351834.2); c.641-25967del (NM_001330368.2); c.*38+182del (NM_001351110.2); short protein forms G2694fs.
Identifiers: ClinVar variation 1761915 (VCV001761915.3), dbSNP rs2547330172, ClinGen allele CA2580083051.

ClinVar aggregate classification (germline): Pathogenic (1 of 4 stars; one submission).

Conditions:
Hereditary cancer-predisposing syndrome. Also called: Hereditary neoplastic syndrome; Neoplastic Syndromes, Hereditary; Tumor predisposition; Hereditary Cancer Syndrome. Identifiers: Orphanet 140162, MedGen C0027672, MeSH D009386, MONDO:0015356.

Submission:

Ambry Genetics
Classification: Pathogenic for Hereditary cancer-predisposing syndrome. Last evaluated: 2024-06-27. Review status: criteria provided, single submitter. Criteria: Ambry Variant Classification Scheme 2023. Collection method: clinical testing. Allele origin: germline.
Comment: The c.8081delG pathogenic mutation, located in coding exon 54 of the ATM gene, results from a deletion of one nucleotide at nucleotide position 8081, causing a translational frameshift with a predicted alternate stop codon (p.G2694Efs*3). This variant is considered to be rare based on population cohorts in the Genome Aggregation Database (gnomAD). This alteration is expected to result in loss of function by premature protein truncation or nonsense-mediated mRNA decay. As such, this alteration is interpreted as a disease-causing mutation.